The following is an entry in ClinVar:

ClinVar aggregate classification (germline): Pathogenic (1 of 4 stars; one submission).

Conditions:
Primary ciliary dyskinesia. Also called: Ciliary dyskinesia. Identifiers: Orphanet 244, MedGen C0008780, MONDO:0016575, HP:0012265.

Submission:

Labcorp Genetics (formerly Invitae), Labcorp
Classification: Pathogenic for Primary ciliary dyskinesia. Last evaluated: 2023-10-19. Review status: criteria provided, single submitter. Criteria: Invitae Variant Classification Sherloc (09022015). Collection method: clinical testing. Allele origin: unknown.
Comment: This variant results in the deletion of exons 1-3 and part of exon 4 (c.-9892_423delinsCCAATCTGATTGTGTGTGTGTGTGT) of the CCDC39 gene. It is expected to result in an absent or disrupted protein product. Loss-of-function variants in CCDC39 are known to be pathogenic (PMID: 21131972, 23255504). This variant has not been reported in the literature in individuals affected with CCDC39-related conditions. For these reasons, this variant has been classified as Pathogenic.

Literature cited by the submitters: PubMed 21131972; PubMed 23255504.

NC_000003.11:g.(?_180378451)_(180407060_?)del

Gene: CCDC39 (coiled-coil domain 39 molecular ruler complex subunit; minus strand). Cytogenetic location: 3q26.33.
Variant type: Deletion.
Identifiers: ClinVar variation 3246792 (VCV003246792.1).